The following is an entry in ClinVar:

ClinVar aggregate classification (germline): Uncertain significance (1 of 4 stars; one submission).

Conditions:
Hereditary cancer-predisposing syndrome. Also called: Neoplastic Syndromes, Hereditary; Tumor predisposition; Hereditary neoplastic syndrome; Hereditary Cancer Syndrome. Identifiers: Orphanet 140162, MedGen C0027672, MeSH D009386, MONDO:0015356.

Submission:

Ambry Genetics
Classification: Uncertain significance for Hereditary cancer-predisposing syndrome. Last evaluated: 2023-11-09. Review status: criteria provided, single submitter. Criteria: Ambry Variant Classification Scheme 2023. Collection method: clinical testing. Allele origin: germline.
Comment: The p.E1024D variant (also known as c.3072A>T), located in coding exon 26 of the TSC2 gene, results from an A to T substitution at nucleotide position 3072. The glutamic acid at codon 1024 is replaced by aspartic acid, an amino acid with highly similar properties. This amino acid position is conserved. In addition, this alteration is predicted to be deleterious by in silico analysis. Since supporting evidence is limited at this time, the clinical significance of this alteration remains unclear.

NM_000548.5(TSC2):c.3072A>T (p.Glu1024Asp)

Gene: TSC2 (TSC complex subunit 2; plus strand). Cytogenetic location: 16p13.3.
Variant type: single nucleotide variant.
Coding change: c.3072A>T on transcript NM_000548.5 (MANE Select); coding-DNA position 3072, A replaced by T.
Protein change: p.Glu1024Asp; replaces glutamic acid 1024 with aspartic acid.
Molecular consequence: missense variant. On other transcripts: non-coding transcript variant (5).
Genome position (GRCh38, 1-based): chr16:2,079,137, A>T. VCF-style: chr16-2079137-A-T. GRCh37 (hg19) VCF-style: chr16-2129138-A-T.
Other names: c.2940A>T, p.Glu980Asp (NM_001077183.3, NM_001370404.1, NM_001406665.1); c.3072A>T, p.Glu1024Asp (NM_001114382.3); c.2832A>T, p.Glu944Asp (NM_001318827.2); c.2796A>T, p.Glu932Asp (NM_001318829.2); c.2340A>T, p.Glu780Asp (NM_001318831.2, NM_001406687.1, NM_001406688.1); c.2973A>T, p.Glu991Asp (NM_001318832.2); c.2943A>T, p.Glu981Asp (NM_001363528.2, NM_001370405.1, NM_021055.3); c.3069A>T, p.Glu1023Asp (NM_001406663.1, NM_001406664.1); and 18 more; short protein forms E1010D, E1011D, E1023D, E1024D, E446D, E532D, E533D, E576D.
Identifiers: ClinVar variation 3232132 (VCV003232132.1), dbSNP rs2089799620, ClinGen allele CA394284539.